The following is an entry in ClinVar:

NM_006516.4(SLC2A1):c.1229_1234del (p.Ser410_Asn411del)

Gene: SLC2A1 (solute carrier family 2 member 1; minus strand). Cytogenetic location: 1p34.2.
Variant type: Deletion.
Coding change: c.1229_1234del on transcript NM_006516.4 (MANE Select); coding-DNA positions 1229 to 1234, 6 bases deleted (CCAACT; older notation c.1229_1234delCCAACT).
Protein change: p.Ser410_Asn411del.
Molecular consequence: inframe deletion.
Genome position (GRCh38, 1-based): chr1:42,927,649-42,927,654, AGTTGG deleted on the plus strand (CCAACT on the coding strand, the reverse complement: SLC2A1 is on the minus strand); deleting any 6 consecutive bases within chr1:42,927,649-42,927,656 gives the same sequence; the c. name uses the placement nearest the transcript's 3' end. VCF-style (leftmost placement, unchanged base first): chr1-42927648-CAGTTGG-C. GRCh37 (hg19) VCF-style: chr1-43393319-CAGTTGG-C.
Other names: c.1229_1234delCCAACT (NM_006516.2).
Identifiers: ClinVar variation 503922 (VCV000503922.3), dbSNP rs1553155880, ClinGen allele CA658795436.
Genomic context (GRCh38, chr1:42,927,648, plus strand): 5'-ACAGTGGGGGTTCTCACCTCCACATACTGGAAGCACATGCCCACAATGAAATTTGAGGTC[CAGTTGG>C]AGAAGCCTGCAACGGCAATGGCAGCTGGACGTGGACCCTGGCTGAAGAGTTCAGCCACGA-3'

ClinVar aggregate classification (germline): Likely pathogenic (1 of 4 stars; one submission).

Submission:

GeneDx
Classification: Likely pathogenic. Last evaluated: 2021-05-05. Review status: criteria provided, single submitter. Criteria: GeneDx Variant Classification Process June 2021. Collection method: clinical testing. Allele origin: germline. Affected: yes.
Comment: Not observed in large population cohorts (Lek et al., 2016); In-frame deletion of 2 amino acids in a non-repeat region; In silico analysis supports a deleterious effect on protein structure/function; Has not been previously published as pathogenic or benign to our knowledge